The following is an entry in ClinVar:

ClinVar aggregate classification (germline): Likely benign (1 of 4 stars; one submission).

Conditions:
Schimke immuno-osseous dysplasia (SIOD). Also called: Schimke Immunoosseous Dysplasia. Identifiers: Orphanet 1830, MedGen C0877024, MONDO:0009458, OMIM 242900.

Allele frequency attached by ClinVar (database versions not stated): gnomAD exomes 0.00360; gnomAD 0.01997 and 0.02152; 1000 Genomes Project 0.02137; TOPMed 0.02220; 1000 Genomes Project 30x 0.02233.
gnomAD v4.1: 3,015 of 152,610 alleles (2%); highest among the groups gnomAD compares: African/African-American, 6.8%; 96 homozygotes.

Submission:

Illumina Laboratory Services, Illumina
Classification: Likely benign for Schimke immuno-osseous dysplasia. Last evaluated: 2017-04-27. Review status: criteria provided, single submitter. Criteria: ICSL Variant Classification Criteria 13 December 2019. Collection method: clinical testing. Allele origin: germline.
Comment: This variant was observed as part of a predisposition screen in an ostensibly healthy population. A literature search was performed for the gene, cDNA change, and amino acid change (where applicable). No publications were found based on this search. Allele frequency data from public databases allowed determination this variant is unlikely to cause disease. Therefore, this variant is classified as likely benign.

NM_014140.4(SMARCAL1):c.-137A>G

Gene: SMARCAL1 (SNF2 related chromatin remodeling annealing helicase 1; plus strand). Cytogenetic location: 2q35.
Variant type: single nucleotide variant.
Coding change: c.-137A>G on transcript NM_014140.4 (MANE Select); 137 bases upstream of the start codon, A replaced by G.
Molecular consequence: 5 prime UTR variant.
Genome position (GRCh38, 1-based): chr2:216,412,607, A>G. VCF-style: chr2-216412607-A-G. GRCh37 (hg19) VCF-style: chr2-217277330-A-G.
Identifiers: ClinVar variation 334285 (VCV000334285.5), dbSNP rs115172989, ClinGen allele CA10614277.